The following is an entry in ClinVar:

ClinVar aggregate classification (germline): Uncertain significance. Review status: criteria provided, multiple submitters, no conflicts (2 of 4 stars). 3 submissions from 3 submitters: Uncertain significance (3). Last evaluated 2025-05-28.

Conditions:
Autoinflammatory syndrome, familial, Behcet-like 1 (AIFBL1). Also called: Haploinsufficiency of A20. Identifiers: Orphanet 674762, MedGen C4225218, MONDO:0800045, OMIM 616744.

Submissions (3):

Mayo Clinic Laboratories, Mayo Clinic
Classification: Uncertain significance. Last evaluated: 2025-05-28. Review status: criteria provided, single submitter. Criteria: ACMG Guidelines, 2015. Collection method: clinical testing. Allele origin: germline. Observed: 1 variant allele.
Comment: BP4_moderate, PM2_supporting

Labcorp Genetics (formerly Invitae), Labcorp
Classification: Uncertain significance. Last evaluated: 2025-03-30. Review status: criteria provided, single submitter. Criteria: Invitae Variant Classification Sherloc (09022015). Collection method: clinical testing. Allele origin: germline.
Comment: This sequence change replaces arginine, which is basic and polar, with lysine, which is basic and polar, at codon 660 of the TNFAIP3 protein (p.Arg660Lys). This variant is not present in population databases (gnomAD no frequency). This variant has not been reported in the literature in individuals affected with TNFAIP3-related conditions. An algorithm developed to predict the effect of missense changes on protein structure and function (PolyPhen-2) suggests that this variant is likely to be disruptive. In summary, the available evidence is currently insufficient to determine the role of this variant in disease. Therefore, it has been classified as a Variant of Uncertain Significance.

ARUP Laboratories, Molecular Genetics and Genomics, ARUP Laboratories
Classification: Uncertain significance for Autoinflammatory syndrome, familial, Behcet-like 1. Last evaluated: 2025-02-10. Review status: criteria provided, single submitter. Criteria: ARUP Molecular Germline Variant Investigation Process 2024. Collection method: clinical testing. Allele origin: germline.
Comment: The TNFAIP3 c.1979G>A; p.Arg660Lys variant (rs1295834301), to our knowledge, is not reported in the medical literature or gene specific databases. This variant is absent from the Genome Aggregation Database (v2.1.1), indicating it is not a common polymorphism. Computational analyses predict that this variant is neutral (REVEL: 0.138). Due to limited information, the clinical significance of this variant is uncertain at this time.

NM_001270508.2(TNFAIP3):c.1979G>A (p.Arg660Lys)

Gene: TNFAIP3 (TNF alpha induced protein 3; plus strand). Cytogenetic location: 6q23.3.
Variant type: single nucleotide variant.
Coding change: c.1979G>A on transcript NM_001270508.2 (MANE Select); coding-DNA position 1979, G replaced by A.
Protein change: p.Arg660Lys; replaces arginine 660 with lysine.
Molecular consequence: missense variant.
Genome position (GRCh38, 1-based): chr6:137,880,143, G>A. VCF-style: chr6-137880143-G-A. GRCh37 (hg19) VCF-style: chr6-138201280-G-A.
Other names: p.Arg660Lys; c.1979G>A, p.Arg660Lys (NM_001270507.2, NM_006290.4); short protein forms R660K.
Identifiers: ClinVar variation 4541227 (VCV004541227.3).